The following is an entry in ClinVar:

ClinVar aggregate classification (germline): Uncertain significance (1 of 4 stars; one submission).

Submission:

GeneDx
Classification: Uncertain significance. Last evaluated: 2025-03-30. Review status: criteria provided, single submitter. Criteria: GeneDx Variant Classification Process June 2021. Collection method: clinical testing. Allele origin: germline. Affected: yes.
Comment: Not observed at significant frequency in large population cohorts (gnomAD); In silico analysis indicates that this missense variant does not alter protein structure/function; Has not been previously published as pathogenic or benign to our knowledge

NM_152641.4(ARID2):c.2599G>A (p.Val867Ile)

Gene: ARID2 (AT-rich interaction domain 2; plus strand). Cytogenetic location: 12q12.
Variant type: single nucleotide variant.
Coding change: c.2599G>A on transcript NM_152641.4 (MANE Select); coding-DNA position 2599, G replaced by A.
Protein change: p.Val867Ile; replaces valine 867 with isoleucine.
Molecular consequence: missense variant.
Genome position (GRCh38, 1-based): chr12:45,850,722, G>A. VCF-style: chr12-45850722-G-A. GRCh37 (hg19) VCF-style: chr12-46244505-G-A.
Other names: c.2599G>A, p.Val867Ile (NM_001347839.2); short protein forms V867I.
Identifiers: ClinVar variation 4278777 (VCV004278777.1).